The following is an entry in ClinVar:

ClinVar aggregate classification (germline): Pathogenic (1 of 4 stars; one submission).

Conditions:
Osteogenesis imperfecta type I (OI1). Also called: Lobstein's Disease; Lobstein disease; Classic Non-deforming Osteogenesis Imperfecta with Blue Sclerae; OI, TYPE I; OSTEOGENESIS IMPERFECTA TARDA; OSTEOGENESIS IMPERFECTA WITH BLUE SCLERAE. Identifiers: Orphanet 216796, Orphanet 666, MedGen C0023931, MONDO:0008146, OMIM 166200. Disease mechanism: loss of function.

Submission:

Labcorp Genetics (formerly Invitae), Labcorp
Classification: Pathogenic for Osteogenesis imperfecta type I. Last evaluated: 2024-05-23. Review status: criteria provided, single submitter. Criteria: Invitae Variant Classification Sherloc (09022015). Collection method: clinical testing. Allele origin: germline.
Comment: This sequence change creates a premature translational stop signal (p.Gly308Valfs*233) in the COL1A1 gene. It is expected to result in an absent or disrupted protein product. Loss-of-function variants in COL1A1 are known to be pathogenic (PMID: 7942841, 9295084, 9443882). This variant is not present in population databases (gnomAD no frequency). This variant has not been reported in the literature in individuals affected with COL1A1-related conditions. For these reasons, this variant has been classified as Pathogenic.

Literature cited by the submitters: PubMed 7942841; PubMed 9295084; PubMed 9443882.

NM_000088.4(COL1A1):c.921del (p.Gly308fs)

Genes: COL1A1 (collagen type I alpha 1 chain; minus strand), LOC126862586 (CDK7 strongly-dependent group 2 enhancer GRCh37_chr17:48273702-48274901; plus strand). Cytogenetic location: 17q21.33.
Variant type: Deletion.
Coding change: c.921del on transcript NM_000088.4 (MANE Select); coding-DNA position 921, one base deleted (T; older notation c.921delT).
Protein change: p.Gly308fs; shifts the reading frame from glycine 308.
Molecular consequence: frameshift variant.
Genome position (GRCh38, 1-based): chr17:50,196,350, A deleted on the plus strand (T on the coding strand, the reverse complement: COL1A1 is on the minus strand). VCF-style (leftmost placement, unchanged base first): chr17-50196349-CA-C. GRCh37 (hg19) VCF-style: chr17-48273710-CA-C.
Other names: short protein forms G308fs.
Identifiers: ClinVar variation 3654473 (VCV003654473.2).